The following is an entry in ClinVar:

NM_001458.5(FLNC):c.451G>A (p.Glu151Lys)

Gene: FLNC (filamin C; plus strand). Cytogenetic location: 7q32.1.
Variant type: single nucleotide variant.
Coding change: c.451G>A on transcript NM_001458.5 (MANE Select); coding-DNA position 451, G replaced by A.
Protein change: p.Glu151Lys; replaces glutamic acid 151 with lysine.
Molecular consequence: missense variant.
Genome position (GRCh38, 1-based): chr7:128,835,424, G>A. VCF-style: chr7-128835424-G-A. GRCh37 (hg19) VCF-style: chr7-128475478-G-A.
Other names: c.451G>A (NM_001458.4); c.451G>A, p.Glu151Lys (NM_001127487.2); short protein forms E151K.
Identifiers: ClinVar variation 1513529 (VCV001513529.9), dbSNP rs1354261792, ClinGen allele CA369219202.

ClinVar aggregate classification (germline): Uncertain significance. Review status: criteria provided, multiple submitters, no conflicts (2 of 4 stars). 2 submissions from 2 submitters: Uncertain significance (2). Last evaluated 2025-11-26.

Conditions:
Myofibrillar myopathy 5. Also called: Filaminopathy (type); FILAMINOPATHY, AUTOSOMAL DOMINANT. Identifiers: Orphanet 171445, MedGen C1836050, MONDO:0012289, OMIM 609524.
Distal myopathy with posterior leg and anterior hand involvement. Also called: WILLIAMS DISTAL MYOPATHY. Identifiers: Orphanet 63273, MedGen C3279722, MONDO:0013550, OMIM 614065.
Hypertrophic cardiomyopathy 26. Also called: Cardiomyopathy, familial hypertrophic, 26. Identifiers: Orphanet 75249, MedGen C4310749, MONDO:0014883, OMIM 617047.
Cardiovascular phenotype. Identifiers: MedGen CN230736.

Allele frequency attached by ClinVar (database versions not stated): gnomAD 0.00001.
gnomAD v4.1: 1 of 1,614,052 alleles (0.000062%); highest among the groups gnomAD compares: South Asian, 0.0011%; no homozygotes.

Submissions (2):

Ambry Genetics
Classification: Uncertain significance for Cardiovascular phenotype. Last evaluated: 2025-11-26. Review status: criteria provided, single submitter. Criteria: Ambry Variant Classification Scheme 2023. Collection method: clinical testing. Allele origin: germline.

Labcorp Genetics (formerly Invitae), Labcorp
Classification: Uncertain significance for Distal myopathy with posterior leg and anterior hand involvement; Myofibrillar myopathy 5; Hypertrophic cardiomyopathy 26. Last evaluated: 2021-02-19. Review status: criteria provided, single submitter. Criteria: Invitae Variant Classification Sherloc (09022015). Collection method: clinical testing. Allele origin: germline.
Comment: In summary, the available evidence is currently insufficient to determine the role of this variant in disease. Therefore, it has been classified as a Variant of Uncertain Significance. Algorithms developed to predict the effect of missense changes on protein structure and function are either unavailable or do not agree on the potential impact of this missense change (SIFT: "Tolerated"; PolyPhen-2: "Probably Damaging"; Align-GVGD: "Class C0"). This variant has not been reported in the literature in individuals with FLNC-related conditions. This variant is not present in population databases (ExAC no frequency). This sequence change replaces glutamic acid with lysine at codon 151 of the FLNC protein (p.Glu151Lys). The glutamic acid residue is moderately conserved and there is a small physicochemical difference between glutamic acid and lysine.